The following is an entry in ClinVar:

ClinVar aggregate classification (germline): Uncertain significance. Review status: criteria provided, multiple submitters, no conflicts (2 of 4 stars). 2 submissions from 2 submitters: Uncertain significance (2). Last evaluated 2026-01-13.

Conditions:
Brugada syndrome 8 (BRGDA8). Identifiers: Orphanet 130, MedGen C2751083, MONDO:0013148, OMIM 613123.
Cardiovascular phenotype. Identifiers: MedGen CN230736.

gnomAD v4.1: 6 of 1,610,114 alleles (0.00037%); highest among the groups gnomAD compares: Middle Eastern, 0.017%; no homozygotes.

Submissions (2):

Labcorp Genetics (formerly Invitae), Labcorp
Classification: Uncertain significance for Brugada syndrome 8. Last evaluated: 2026-01-13. Review status: criteria provided, single submitter. Criteria: Invitae Variant Classification Sherloc (09022015). Collection method: clinical testing. Allele origin: germline.
Comment: This sequence change replaces arginine, which is basic and polar, with leucine, which is neutral and non-polar, at codon 207 of the HCN4 protein (p.Arg207Leu). This variant is not present in population databases (gnomAD no frequency). This variant has not been reported in the literature in individuals affected with HCN4-related conditions. ClinVar contains an entry for this variant (Variation ID: 1752212). Invitae Evidence Modeling of protein sequence and biophysical properties (such as structural, functional, and spatial information, amino acid conservation, physicochemical variation, residue mobility, and thermodynamic stability) has been performed for this missense variant. However, the output from this modeling did not meet the statistical confidence thresholds required to predict the impact of this variant on HCN4 protein function. In summary, the available evidence is currently insufficient to determine the role of this variant in disease. Therefore, it has been classified as a Variant of Uncertain Significance.

Ambry Genetics
Classification: Uncertain significance for Cardiovascular phenotype. Last evaluated: 2021-02-24. Review status: criteria provided, single submitter. Criteria: Ambry Variant Classification Scheme 2023. Collection method: clinical testing. Allele origin: germline.
Comment: The p.R207L variant (also known as c.620G>T), located in coding exon 1 of the HCN4 gene, results from a G to T substitution at nucleotide position 620. The arginine at codon 207 is replaced by leucine, an amino acid with dissimilar properties. This amino acid position is well conserved in available vertebrate species. In addition, the in silico prediction for this alteration is inconclusive. Since supporting evidence is limited at this time, the clinical significance of this alteration remains unclear.

NM_005477.3(HCN4):c.620G>T (p.Arg207Leu)

Gene: HCN4 (hyperpolarization activated cyclic nucleotide gated potassium channel 4; minus strand). Cytogenetic location: 15q24.1.
Variant type: single nucleotide variant.
Coding change: c.620G>T on transcript NM_005477.3 (MANE Select); coding-DNA position 620, G replaced by T.
Protein change: p.Arg207Leu; replaces arginine 207 with leucine.
Molecular consequence: missense variant.
Genome position (GRCh38, 1-based): chr15:73,367,651, C>A on the plus strand (G>T on the coding strand, the complement: HCN4 is on the minus strand). VCF-style: chr15-73367651-C-A. GRCh37 (hg19) VCF-style: chr15-73659992-C-A.
Other names: short protein forms R207L.
Identifiers: ClinVar variation 1752212 (VCV001752212.4), dbSNP rs971709325, ClinGen allele CA393097448.
Genomic context (GRCh38, chr15:73,367,651, plus strand): 5'-TTGACCCCGGGTTGGAGCATGGCCCCGAACTGGCGCTGCATGAAGCCGGCCTGGCCCAGG[C>A]GCACCTCGGCCTCCGGGAGGATCTGGTCGCCGGCAGCCGCGCCTCCCTCCACTTTGATAG-3'
Protein context (NP_005468.1, residues 197-217): GDQILPEAEV[Arg207Leu]LGQAGFMQRQ